The following is an entry in ClinVar:

ClinVar aggregate classification (germline): Likely benign. Review status: criteria provided, multiple submitters, no conflicts (2 of 4 stars). 5 submissions from 5 submitters: Likely benign (4). 1 of the submissions does not count toward it. Last evaluated 2025-10-09.

Conditions:
Short-rib thoracic dysplasia 13 with or without polydactyly (SRTD13). Identifiers: Orphanet 474, MedGen C4225378, MONDO:0014577, OMIM 616300.
CEP120-related disorder. Also called: CEP120-Related Disorders; CEP120-related condition.
Inborn genetic diseases. Identifiers: MedGen C0950123, MeSH D030342.

Allele frequency attached by ClinVar (database versions not stated): 1000 Genomes Project 30x 0.00016; 1000 Genomes Project 0.00020; TOPMed 0.00062; ESP Exome Variant Server 0.00100.
gnomAD v4.1: 155 of 1,611,936 alleles (0.0096%); highest among the groups gnomAD compares: African/African-American, 0.19%; no homozygotes.

Submissions (5):

Labcorp Genetics (formerly Invitae), Labcorp
Classification: Likely benign for Short-rib thoracic dysplasia 13 with or without polydactyly. Last evaluated: 2025-10-09. Review status: criteria provided, single submitter. Criteria: Invitae Variant Classification Sherloc (09022015). Collection method: clinical testing. Allele origin: germline.

Ambry Genetics
Classification: Likely benign for Inborn genetic diseases. Last evaluated: 2024-09-08. Review status: criteria provided, single submitter. Criteria: Ambry Variant Classification Scheme 2023. Collection method: clinical testing. Allele origin: germline.

Blueprint Genetics
Classification: Likely benign. Last evaluated: 2023-11-27. Review status: criteria provided, single submitter. Criteria: ACMG Guidelines, 2015. Collection method: clinical testing. Allele origin: germline.

GeneDx
Classification: Likely benign. Last evaluated: 2020-12-31. Review status: criteria provided, single submitter. Criteria: GeneDx Variant Classification Process June 2021. Collection method: clinical testing. Allele origin: germline. Affected: yes.

PreventionGenetics, part of Exact Sciences
Classification: Likely benign for CEP120-related condition. Last evaluated: 2022-12-28. Review status: no assertion criteria provided. Collection method: clinical testing. Allele origin: germline. Not counted in ClinVar's aggregate classification.
Comment: This variant is classified as likely benign based on ACMG/AMP sequence variant interpretation guidelines (Richards et al. 2015 PMID: 25741868, with internal and published modifications).

NM_001375405.1(CEP120):c.2444G>A (p.Arg815His)

Gene: CEP120 (centrosomal protein 120; minus strand). Cytogenetic location: 5q23.2.
Variant type: single nucleotide variant.
Coding change: c.2444G>A on transcript NM_001375405.1 (MANE Select); coding-DNA position 2444, G replaced by A.
Protein change: p.Arg815His; replaces arginine 815 with histidine.
Molecular consequence: missense variant. On other transcripts: non-coding transcript variant (1).
Genome position (GRCh38, 1-based): chr5:123,372,687, C>T on the plus strand (G>A on the coding strand, the complement: CEP120 is on the minus strand). VCF-style: chr5-123372687-C-T. GRCh37 (hg19) VCF-style: chr5-122708381-C-T.
Other names: c.2366G>A, p.Arg789His (NM_001166226.2); c.2309G>A, p.Arg770His (NM_001375406.1); c.2444G>A, p.Arg815His (NM_001375407.1, NM_153223.4); c.1871G>A, p.Arg624His (NM_001375408.1, NM_001375409.1); short protein forms R789H, R815H, R624H, R770H.
Identifiers: ClinVar variation 790421 (VCV000790421.15), dbSNP rs142792779, ClinGen allele CA3386620.